The following is an entry in ClinVar:

NM_003073.5(SMARCB1):c.396dup (p.Pro133fs)

Gene: SMARCB1 (SWI/SNF related BAF chromatin remodeling complex subunit B1; plus strand). Cytogenetic location: 22q11.23.
Variant type: Duplication.
Coding change: c.396dup on transcript NM_003073.5 (MANE Select); coding-DNA position 396, one base duplicated (A; older notation c.396dupA).
Protein change: p.Pro133fs; shifts the reading frame from proline 133.
Molecular consequence: frameshift variant.
Genome position (GRCh38, 1-based): chr22:23,800,977, A duplicated. VCF-style (leftmost placement, unchanged base first): chr22-23800976-T-TA. GRCh37 (hg19) VCF-style: chr22-24143163-T-TA.
Other names: c.369dup, p.Pro124fs (NM_001007468.3, NM_001317946.2); c.396dup, p.Pro133fs (NM_001362877.2); c.396dupA (NM_003073.3); short protein forms P124fs, P133fs.
Identifiers: ClinVar variation 5029921 (VCV005029921.1).
Genomic context (GRCh38, chr22:23,800,976, plus strand): 5'-TGGGAGGACTTTTCTTGTATCTCCTCAGGGAACAGAAGGCCAAGAGGAACAGCCAGTGGG[T>TA]ACCCACCCTGCCCAACAGCTCCCACCACTTAGATGCCGTGCCATGCTCCACAACCATCAA-3'

ClinVar aggregate classification (germline): Pathogenic (1 of 4 stars; one submission).

Conditions:
Hereditary cancer-predisposing syndrome. Also called: Neoplastic Syndromes, Hereditary; Tumor predisposition; Hereditary neoplastic syndrome; Hereditary Cancer Syndrome. Identifiers: Orphanet 140162, MedGen C0027672, MeSH D009386, MONDO:0015356.

Submission:

Ambry Genetics
Classification: Pathogenic for Hereditary cancer-predisposing syndrome. Last evaluated: 2026-06-30. Review status: criteria provided, single submitter. Criteria: Ambry Variant Classification Scheme 2023. Collection method: clinical testing. Allele origin: germline.
Comment: The c.396dupA pathogenic mutation, located in coding exon 4 of the SMARCB1 gene, results from a duplication of A at nucleotide position 396, causing a translational frameshift with a predicted alternate stop codon (p.P133Tfs*37). This variant is considered to be rare based on population cohorts in the Genome Aggregation Database (gnomAD). This alteration is expected to result in loss of function by premature protein truncation or nonsense-mediated mRNA decay. Loss-of-function variants in SMARCB1 are known to cause rhabdoid tumor predisposition syndrome; however, such associations with neurodevelopmental disorders are exceedingly rare (Kosho T et al. Am J Med Genet C Semin Med Genet. 2014 Sep;166C(3):262-75; Eaton KW et al. Pediatr Blood Cancer. 2011 Jan;56(1):7-15). Based on the supporting evidence, this variant is pathogenic/ for SMARCB1-related tumor predisposition syndrome; however, the association of this variant with Coffin-Siris syndrome is unlikely.